The following is an entry in ClinVar:

ClinVar aggregate classification (germline): Uncertain significance (1 of 4 stars; one submission).

Conditions:
Bethlem myopathy 1A. Also called: MYOPATHY, BENIGN CONGENITAL, WITH CONTRACTURES; Bethlem myopathy 1; Bethlem Muscular Dystrophy. Identifiers: Orphanet 610, MedGen CN029274, MONDO:0024530, OMIM 158810.

Submission:

Labcorp Genetics (formerly Invitae), Labcorp
Classification: Uncertain significance for Bethlem myopathy 1A. Last evaluated: 2024-11-28. Review status: criteria provided, single submitter. Criteria: Invitae Variant Classification Sherloc (09022015). Collection method: clinical testing. Allele origin: germline.
Comment: This sequence change replaces glutamic acid, which is acidic and polar, with alanine, which is neutral and non-polar, at codon 226 of the COL6A1 protein (p.Glu226Ala). This variant is not present in population databases (gnomAD no frequency). This variant has not been reported in the literature in individuals affected with COL6A1-related conditions. Invitae Evidence Modeling of protein sequence and biophysical properties (such as structural, functional, and spatial information, amino acid conservation, physicochemical variation, residue mobility, and thermodynamic stability) indicates that this missense variant is not expected to disrupt COL6A1 protein function with a negative predictive value of 95%. In summary, the available evidence is currently insufficient to determine the role of this variant in disease. Therefore, it has been classified as a Variant of Uncertain Significance.

NM_001848.3(COL6A1):c.677A>C (p.Glu226Ala)

Gene: COL6A1 (collagen type VI alpha 1 chain; plus strand). Cytogenetic location: 21q22.3.
Variant type: single nucleotide variant.
Coding change: c.677A>C on transcript NM_001848.3 (MANE Select); coding-DNA position 677, A replaced by C.
Protein change: p.Glu226Ala; replaces glutamic acid 226 with alanine.
Molecular consequence: missense variant.
Genome position (GRCh38, 1-based): chr21:45,987,032, A>C. VCF-style: chr21-45987032-A-C. GRCh37 (hg19) VCF-style: chr21-47406946-A-C.
Other names: short protein forms E226A.
Identifiers: ClinVar variation 3691125 (VCV003691125.2).